The following is an entry in ClinVar:

NM_004006.3(DMD):c.230T>A (p.Val77Asp)

Gene: DMD (dystrophin; minus strand). Cytogenetic location: Xp21.1.
Variant type: single nucleotide variant.
Coding change: c.230T>A on transcript NM_004006.3 (MANE Select); coding-DNA position 230, T replaced by A.
Protein change: p.Val77Asp; replaces valine 77 with aspartic acid.
Molecular consequence: missense variant. On other transcripts: 5 prime UTR variant (1).
Genome position (GRCh38, 1-based): chrX:32,844,817, A>T on the plus strand (T>A on the coding strand, the complement: DMD is on the minus strand). VCF-style: chrX-32844817-A-T. GRCh37 (hg19) VCF-style: chrX-32862934-A-T.
Other names: c.206T>A, p.Val69Asp (NM_000109.4); c.218T>A, p.Val73Asp (NM_004009.3); c.-140T>A (NM_004010.3); short protein forms V77D, V69D, V73D.
Identifiers: ClinVar variation 284836 (VCV000284836.7), dbSNP rs886042956, ClinGen allele CA10604921.
Genomic context (GRCh38, chrX:32,844,817, plus strand): 5'-CAGACCTTGTCCAGGGTACTACTTACATTATTGTTCTGCAAAACCCGCAGTGCCTTGTTG[A>T]CATTGTTCAGGGCATGAACTCTTGTGGATCCTTTTTCTTTTGGCTGAGAACAAAACAAAA-3'
Protein context (NP_003997.2, residues 67-87): GSTRVHALNN[Val77Asp]NKALRVLQNN

ClinVar aggregate classification (germline): Uncertain significance. Review status: criteria provided, multiple submitters, no conflicts (2 of 4 stars). 2 submissions from 2 submitters: Uncertain significance (2). Last evaluated 2020-01-06.

Submissions (2):

GeneDx
Classification: Uncertain significance. Last evaluated: 2020-01-06. Review status: criteria provided, single submitter. Criteria: GeneDx Variant Classification Process June 2021. Collection method: clinical testing. Allele origin: germline. Affected: yes.
Comment: Has not been previously reported as pathogenic or benign to our knowledge; Not observed in large population cohorts (Lek et al., 2016); In silico analysis, which includes protein predictors and evolutionary conservation, supports a deleterious effect; Missense variant in a gene in which most reported pathogenic variants are truncating/loss-of-function; This variant is associated with the following publications: (PMID: 30564623)

Eurofins Ntd Llc (ga)
Classification: Uncertain significance. Last evaluated: 2016-01-03. Review status: criteria provided, single submitter. Criteria: EGL Classification Definitions 2015. Collection method: clinical testing. Allele origin: germline. Observed: 1 variant allele, 1 hemizygote.